The following is an entry in ClinVar:

NM_000283.4(PDE6B):c.2287A>G (p.Lys763Glu)

Gene: PDE6B (phosphodiesterase 6B; plus strand). Cytogenetic location: 4p16.3.
Variant type: single nucleotide variant.
Coding change: c.2287A>G on transcript NM_000283.4 (MANE Select); coding-DNA position 2287, A replaced by G.
Protein change: p.Lys763Glu; replaces lysine 763 with glutamic acid.
Molecular consequence: missense variant.
Genome position (GRCh38, 1-based): chr4:666,549, A>G. VCF-style: chr4-666549-A-G. GRCh37 (hg19) VCF-style: chr4-660338-A-G.
Other names: c.2287A>G, p.Lys763Glu (NM_001145291.2); c.1450A>G, p.Lys484Glu (NM_001145292.2, NM_001350154.3, NM_001379246.1 and 1 more transcripts); c.1132A>G, p.Lys378Glu (NM_001350155.3); short protein forms K378E, K484E, K763E.
Identifiers: ClinVar variation 1510812 (VCV001510812.6), dbSNP rs757656130, ClinGen allele CA2794994.

ClinVar aggregate classification (germline): Uncertain significance (1 of 4 stars; one submission).

Allele frequency attached by ClinVar (database versions not stated): gnomAD 0.00001; gnomAD exomes 0.00001 and 0.00002; TOPMed 0.00001; ExAC 0.00002.
gnomAD v4.1: 22 of 1,612,724 alleles (0.0014%); highest among the groups gnomAD compares: Middle Eastern, 0.033%; no homozygotes.

Submission:

Labcorp Genetics (formerly Invitae), Labcorp
Classification: Uncertain significance. Last evaluated: 2022-09-30. Review status: criteria provided, single submitter. Criteria: Invitae Variant Classification Sherloc (09022015). Collection method: clinical testing. Allele origin: germline.
Comment: This sequence change replaces lysine, which is basic and polar, with glutamic acid, which is acidic and polar, at codon 763 of the PDE6B protein (p.Lys763Glu). In summary, the available evidence is currently insufficient to determine the role of this variant in disease. Therefore, it has been classified as a Variant of Uncertain Significance. Algorithms developed to predict the effect of missense changes on protein structure and function (SIFT, PolyPhen-2, Align-GVGD) all suggest that this variant is likely to be disruptive. ClinVar contains an entry for this variant (Variation ID: 1510812). This variant has not been reported in the literature in individuals affected with PDE6B-related conditions. This variant is present in population databases (rs757656130, gnomAD 0.004%).